The following is an entry in ClinVar:

NM_001277115.2(DNAH11):c.11059A>G (p.Lys3687Glu)

Gene: DNAH11 (dynein axonemal heavy chain 11; plus strand). Cytogenetic location: 7p15.3.
Variant type: single nucleotide variant.
Coding change: c.11059A>G on transcript NM_001277115.2 (MANE Select); coding-DNA position 11059, A replaced by G.
Protein change: p.Lys3687Glu; replaces lysine 3687 with glutamic acid.
Molecular consequence: missense variant.
Genome position (GRCh38, 1-based): chr7:21,852,629, A>G. VCF-style: chr7-21852629-A-G. GRCh37 (hg19) VCF-style: chr7-21892247-A-G.
Other names: p.Lys3687Glu; short protein forms K3687E.
Identifiers: ClinVar variation 257849 (VCV000257849.39), dbSNP rs72657402, ClinGen allele CA4182585.

ClinVar aggregate classification (germline): Benign/Likely benign. Review status: criteria provided, multiple submitters, no conflicts (2 of 4 stars). 6 submissions from 6 submitters: Benign (5); Likely benign (1). Last evaluated 2026-09-01.

Conditions:
Primary ciliary dyskinesia. Also called: Ciliary dyskinesia. Identifiers: Orphanet 244, MedGen C0008780, MONDO:0016575, HP:0012265.
Primary ciliary dyskinesia 7. Also called: CILIARY DYSKINESIA, PRIMARY, 7, WITH OR WITHOUT SITUS INVERSUS. Identifiers: Orphanet 244, MedGen C2678473, MONDO:0012748, OMIM 611884.

Allele frequency attached by ClinVar (database versions not stated): gnomAD exomes 0.00340; ExAC 0.00371; ESP Exome Variant Server 0.01127; gnomAD 0.01150 and 0.01226; TOPMed 0.01302; 1000 Genomes Project 0.01577; 1000 Genomes Project 30x 0.01749.
gnomAD v4.1: 3,456 of 1,582,704 alleles (0.22%); highest among the groups gnomAD compares: African/African-American, 4%; 71 homozygotes.

Submissions (6):

CeGaT Center for Human Genetics Tuebingen
Classification: Benign. Last evaluated: 2026-09-01. Review status: criteria provided, single submitter. Criteria: CeGaT Center For Human Genetics Tuebingen Variant Classification Criteria Version 2. Collection method: clinical testing. Allele origin: germline. Affected: yes. Observed: 3 variant alleles.
Comment: DNAH11: BP4, BS1, BS2

Labcorp Genetics (formerly Invitae), Labcorp
Classification: Benign for Primary ciliary dyskinesia. Last evaluated: 2026-02-01. Review status: criteria provided, single submitter. Criteria: Invitae Variant Classification Sherloc (09022015). Collection method: clinical testing. Allele origin: germline.

ARUP Laboratories, Molecular Genetics and Genomics, ARUP Laboratories
Classification: Benign for Primary ciliary dyskinesia 7. Last evaluated: 2024-10-18. Review status: criteria provided, single submitter. Criteria: ARUP Molecular Germline Variant Investigation Process 2024. Collection method: clinical testing. Allele origin: germline.

Mayo Clinic Laboratories, Mayo Clinic
Classification: Benign. Last evaluated: 2024-10-16. Review status: criteria provided, single submitter. Criteria: ACMG Guidelines, 2015. Collection method: clinical testing. Allele origin: germline. Observed: 1 variant allele.
Comment: BA1

GeneDx
Classification: Likely benign. Last evaluated: 2021-09-24. Review status: criteria provided, single submitter. Criteria: GeneDx Variant Classification Process June 2021. Collection method: clinical testing. Allele origin: germline. Affected: yes.
Comment: See Variant Classification Assertion Criteria.

PreventionGenetics, part of Exact Sciences
Classification: Benign. Review status: criteria provided, single submitter. Criteria: ACMG Guidelines, 2015. Collection method: clinical testing. Allele origin: germline.